The following is an entry in ClinVar:

NM_020975.6(RET):c.3275A>G (p.Asn1092Ser)

Gene: RET (ret proto-oncogene; plus strand). Cytogenetic location: 10q11.21.
Variant type: single nucleotide variant.
Coding change: c.3275A>G on transcript NM_020975.6 (MANE Select); coding-DNA position 3275, A replaced by G.
Protein change: p.Asn1092Ser; replaces asparagine 1092 with serine.
Molecular consequence: missense variant.
Genome position (GRCh38, 1-based): chr10:43,128,199, A>G. VCF-style: chr10-43128199-A-G. GRCh37 (hg19) VCF-style: chr10-43623647-A-G.
Other names: short protein forms N1092S.
Identifiers: ClinVar variation 2778419 (VCV002778419.2), dbSNP rs757852794, ClinGen allele CA010944.

ClinVar aggregate classification (germline): Uncertain significance. Review status: criteria provided, multiple submitters, no conflicts (2 of 4 stars). 2 submissions from 2 submitters: Uncertain significance (2). Last evaluated 2026-07-06.

Conditions:
Multiple endocrine neoplasia, type 2 (MEN2). Identifiers: Orphanet 653, MedGen C4048306, MONDO:0019003. Disease mechanism: gain of function.
Hereditary cancer-predisposing syndrome. Also called: Hereditary Cancer Syndrome; Hereditary neoplastic syndrome; Neoplastic Syndromes, Hereditary; Tumor predisposition. Identifiers: Orphanet 140162, MedGen C0027672, MeSH D009386, MONDO:0015356.

Allele frequency attached by ClinVar (database versions not stated): gnomAD exomes below 0.00001; ExAC 0.00001.
gnomAD v4.1: 3 of 1,614,184 alleles (0.00019%); highest among the groups gnomAD compares: South Asian, 0.0033%; no homozygotes.

Submissions (2):

Ambry Genetics
Classification: Uncertain significance for Hereditary cancer-predisposing syndrome. Last evaluated: 2026-07-06. Review status: criteria provided, single submitter. Criteria: Ambry Variant Classification Scheme 2023. Collection method: clinical testing. Allele origin: germline.
Comment: The p.N1092S variant (also known as c.3275A>G), located in coding exon 20 of the RET gene, results from an A to G substitution at nucleotide position 3275. The asparagine at codon 1092 is replaced by serine, an amino acid with highly similar properties. This amino acid position is conserved. In addition, this alteration is predicted to be tolerated by in silico analysis. Based on the available evidence, the clinical significance of this variant remains unclear.

Labcorp Genetics (formerly Invitae), Labcorp
Classification: Uncertain significance for Multiple endocrine neoplasia, type 2. Last evaluated: 2023-03-16. Review status: criteria provided, single submitter. Criteria: Invitae Variant Classification Sherloc (09022015). Collection method: clinical testing. Allele origin: germline.
Comment: In summary, the available evidence is currently insufficient to determine the role of this variant in disease. Therefore, it has been classified as a Variant of Uncertain Significance. An algorithm developed to predict the effect of missense changes on protein structure and function (PolyPhen-2) suggests that this variant is likely to be disruptive. This variant has not been reported in the literature in individuals affected with RET-related conditions. This variant is present in population databases (rs757852794, gnomAD 0.006%). This sequence change replaces asparagine, which is neutral and polar, with serine, which is neutral and polar, at codon 1092 of the RET protein (p.Asn1092Ser).